The following is an entry in ClinVar:

NM_201253.3(CRB1):c.2824G>A (p.Val942Met)

Gene: CRB1 (crumbs cell polarity complex component 1; plus strand). Cytogenetic location: 1q31.3.
Variant type: single nucleotide variant.
Coding change: c.2824G>A on transcript NM_201253.3 (MANE Select); coding-DNA position 2824, G replaced by A.
Protein change: p.Val942Met; replaces valine 942 with methionine.
Molecular consequence: missense variant. On other transcripts: non-coding transcript variant (2), intron variant (1).
Genome position (GRCh38, 1-based): chr1:197,429,596, G>A. VCF-style: chr1-197429596-G-A. GRCh37 (hg19) VCF-style: chr1-197398726-G-A.
Other names: c.2488G>A, p.Val830Met (NM_001193640.2); c.2752G>A, p.Val918Met (NM_001257965.2); c.2129-6004G>A (NM_001257966.2); short protein forms V830M, V918M, V942M.
Identifiers: ClinVar variation 1716577 (VCV001716577.5), dbSNP rs1181117983, ClinGen allele CA344041337.
Genomic context (GRCh38, chr1:197,429,596, plus strand): 5'-TGTGAGGAGGTTCAGTGGTGTGGATTCAGCCCGTGTCCTCACGGAGCCCAGTGCCAGCCG[G>A]TGCTTCAAGGATTTGAATGTAGGTAGAGTTCAAACCTACCATCTCACCAGTTAAGTTGCG-3'
Protein context (NP_957705.1, residues 932-952): PCPHGAQCQP[Val942Met]LQGFECIANA

ClinVar aggregate classification (germline): Uncertain significance (1 of 4 stars; one submission).

Conditions:
Retinitis pigmentosa 12 (RP12). Also called: RP WITH OR WITHOUT PPRPE; RP WITH OR WITHOUT PRESERVED PARAARTERIOLE RETINAL PIGMENT EPITHELIUM; RETINITIS PIGMENTOSA WITH OR WITHOUT PARAARTERIOLAR PRESERVATION OF RETINAL PIGMENT EPITHELIUM. Identifiers: Orphanet 791, MedGen C1838647, MONDO:0010818, OMIM 600105.
Leber congenital amaurosis 8 (LCA8). Identifiers: Orphanet 65, MedGen C3151202, MONDO:0013453, OMIM 613835.

Submission:

Labcorp Genetics (formerly Invitae), Labcorp
Classification: Uncertain significance for Leber congenital amaurosis 8; Retinitis pigmentosa 12. Last evaluated: 2022-08-25. Review status: criteria provided, single submitter. Criteria: Invitae Variant Classification Sherloc (09022015). Collection method: clinical testing. Allele origin: germline.
Comment: In summary, the available evidence is currently insufficient to determine the role of this variant in disease. Therefore, it has been classified as a Variant of Uncertain Significance. Advanced modeling of protein sequence and biophysical properties (such as structural, functional, and spatial information, amino acid conservation, physicochemical variation, residue mobility, and thermodynamic stability) performed at Invitae indicates that this missense variant is not expected to disrupt CRB1 protein function. This variant has not been reported in the literature in individuals affected with CRB1-related conditions. This variant is not present in population databases (gnomAD no frequency). This sequence change replaces valine, which is neutral and non-polar, with methionine, which is neutral and non-polar, at codon 942 of the CRB1 protein (p.Val942Met).